The following is an entry in ClinVar:

NM_005002.5(NDUFA9):c.722A>G (p.Tyr241Cys)

Gene: NDUFA9 (NADH:ubiquinone oxidoreductase subunit A9; plus strand). Cytogenetic location: 12p13.32.
Variant type: single nucleotide variant.
Coding change: c.722A>G on transcript NM_005002.5 (MANE Select); coding-DNA position 722, A replaced by G.
Protein change: p.Tyr241Cys; replaces tyrosine 241 with cysteine.
Molecular consequence: missense variant.
Genome position (GRCh38, 1-based): chr12:4,668,523, A>G. VCF-style: chr12-4668523-A-G. GRCh37 (hg19) VCF-style: chr12-4777689-A-G.
Other names: short protein forms Y241C.
Identifiers: ClinVar variation 559204 (VCV000559204.19), dbSNP rs139012735, ClinGen allele CA6398209.

ClinVar aggregate classification (germline): Conflicting classifications of pathogenicity. Review status: criteria provided, conflicting classifications (1 of 4 stars). 3 submissions from 3 submitters: Uncertain significance (1); Likely benign (1). 1 of the submissions does not count toward it. Last evaluated 2024-05-02.

Allele frequency attached by ClinVar (database versions not stated): gnomAD exomes 0.00019 and 0.00006; 1000 Genomes Project 0.00020; TOPMed 0.00061; ESP Exome Variant Server 0.00062; ExAC 0.00016; gnomAD 0.00062 and 0.00068; 1000 Genomes Project 30x 0.00031.
gnomAD v4.1: 175 of 1,609,448 alleles (0.011%); highest among the groups gnomAD compares: African/African-American, 0.22%; no homozygotes.

Submissions (6):

Labcorp Genetics (formerly Invitae), Labcorp
Classification: Likely benign. Last evaluated: 2024-05-02. Review status: criteria provided, single submitter. Criteria: Invitae Variant Classification Sherloc (09022015). Collection method: clinical testing. Allele origin: germline.

GeneDx
Classification: Uncertain significance. Last evaluated: 2022-02-21. Review status: criteria provided, single submitter. Criteria: GeneDx Variant Classification Process June 2021. Collection method: clinical testing. Allele origin: germline. Affected: yes.
Comment: In silico analysis supports that this missense variant has a deleterious effect on protein structure/function; Has not been previously published as pathogenic or benign to our knowledge

Mayo Clinic Laboratories, Mayo Clinic
Classification: Uncertain significance. Last evaluated: 2017-08-22. Review status: no assertion criteria provided. Collection method: clinical testing. Allele origin: unknown. Not counted in ClinVar's aggregate classification.

Dr. Peter K. Rogan Lab, Western University
No classification provided (evidence only). Condition: Clear cell carcinoma of kidney. Review status: no classification provided. Collection method: in vitro. Allele origin: not applicable. Functional consequence: retained intron. Not counted in ClinVar's aggregate classification.

Dr. Peter K. Rogan Lab, Western University
No classification provided (evidence only). Condition: Colon adenocarcinoma. Review status: no classification provided. Collection method: in vitro. Allele origin: not applicable. Functional consequence: retained intron. Not counted in ClinVar's aggregate classification.

Dr. Peter K. Rogan Lab, Western University
No classification provided (evidence only). Condition: Adrenocortical carcinoma, hereditary. Review status: no classification provided. Collection method: in vitro. Allele origin: not applicable. Functional consequence: retained intron. Not counted in ClinVar's aggregate classification.